The following is an entry in ClinVar:

NM_153026.3(PRICKLE1):c.1198G>C (p.Glu400Gln)

Genes: PRICKLE1 (prickle planar cell polarity protein 1; minus strand), LOC126861509 (BRD4-independent group 4 enhancer GRCh37_chr12:42858567-42859766; plus strand). Cytogenetic location: 12q12.
Variant type: single nucleotide variant.
Coding change: c.1198G>C on transcript NM_153026.3 (MANE Select); coding-DNA position 1198, G replaced by C.
Protein change: p.Glu400Gln; replaces glutamic acid 400 with glutamine.
Molecular consequence: missense variant.
Genome position (GRCh38, 1-based): chr12:42,464,836, C>G on the plus strand (G>C on the coding strand, the complement: PRICKLE1 is on the minus strand). VCF-style: chr12-42464836-C-G. GRCh37 (hg19) VCF-style: chr12-42858638-C-G.
Other names: p.E400Q:GAA>CAA; c.1198G>C, p.Glu400Gln (NM_001144881.2, NM_001144882.2, NM_001144883.2); short protein forms E400Q.
Identifiers: ClinVar variation 206665 (VCV000206665.2), dbSNP rs796052931, ClinGen allele CA316984.

ClinVar aggregate classification (germline): Uncertain significance (1 of 4 stars; one submission).

Allele frequency attached by ClinVar (database versions not stated): gnomAD 0.00001; TOPMed 0.00002 and 0.00001; gnomAD exomes 0.00001.
gnomAD v4.1: 6 of 1,613,928 alleles (0.00037%); highest among the groups gnomAD compares: Non-Finnish European, 0.00051%; no homozygotes.

Submission:

GeneDx
Classification: Uncertain significance. Last evaluated: 2014-03-06. Review status: criteria provided, single submitter. Criteria: GeneDx Variant Classification (06012015). Collection method: clinical testing. Allele origin: germline. Affected: yes.
Comment: p.Glu400Gln (GAA>CAA): c.1198 G>C in exon 7 of the PRICKLE1 gene (NM_153026.2). The Glu400Gln variant has not been published as a mutation, nor has it been reported as a benign polymorphism to our knowledge. It was not observed in approximately 6,500 individuals of European and African American ancestry in the NHLBI Exome Sequencing Project, indicating it is not a common benign variant in these populations. The Glu400Gln variant is a semi-conservative amino acid substitution, which may impact secondary protein structure as these residues differ in some properties. This substitution occurs at a position that is not conserved across species and in silico analysis is inconsistent in its predictions as to whether or not the variant is damaging to the protein structure/function. Therefore, based on the currently available information, it is unclear whether this variant is a pathogenic mutation or a rare benign variant. The variant is found in CHILD-EPI panel(s).